The following is an entry in ClinVar:

NM_002693.3(POLG):c.680G>A (p.Arg227Gln)

Genes: POLG (DNA polymerase gamma, catalytic subunit; minus strand), POLGARF (POLG alternative reading frame; minus strand). Cytogenetic location: 15q26.1.
Variant type: single nucleotide variant.
Coding change: c.680G>A on transcript NM_002693.3 (MANE Select); coding-DNA position 680, G replaced by A.
Protein change: p.Arg227Gln; replaces arginine 227 with glutamine.
Molecular consequence: missense variant.
Genome position (GRCh38, 1-based): chr15:89,330,256, C>T on the plus strand (G>A on the coding strand, the complement: POLG is on the minus strand). VCF-style: chr15-89330256-C-T. GRCh37 (hg19) VCF-style: chr15-89873487-C-T.
Other names: c.680G>A, p.Arg227Gln (NM_001126131.2); short protein forms R227Q.
Identifiers: ClinVar variation 2435149 (VCV002435149.6), dbSNP rs1462699597, ClinGen allele CA393767255.

ClinVar aggregate classification (germline): Uncertain significance. Review status: criteria provided, multiple submitters, no conflicts (2 of 4 stars). 2 submissions from 2 submitters: Uncertain significance (2). Last evaluated 2023-10-07.

Conditions:
Progressive sclerosing poliodystrophy (MTDPS4A). Also called: NEURONAL DEGENERATION OF CHILDHOOD WITH LIVER DISEASE, PROGRESSIVE; ALPERS PROGRESSIVE INFANTILE POLIODYSTROPHY; Alpers-Huttenlocher Syndrome; Alpers Syndrome; ALPERS DIFFUSE DEGENERATION OF CEREBRAL GRAY MATTER WITH HEPATIC CIRRHOSIS; Mitochondrial DNA depletion syndrome 4A (Alpers type). Identifiers: Orphanet 726, MedGen C0205710, MONDO:0008758, OMIM 203700.

Allele frequency attached by ClinVar (database versions not stated): gnomAD exomes below 0.00001; TOPMed below 0.00001.
gnomAD v4.1: 6 of 1,611,918 alleles (0.00037%); highest among the groups gnomAD compares: East Asian, 0.0045%; no homozygotes.

Submissions (2):

Labcorp Genetics (formerly Invitae), Labcorp
Classification: Uncertain significance for Progressive sclerosing poliodystrophy. Last evaluated: 2023-10-07. Review status: criteria provided, single submitter. Criteria: Invitae Variant Classification Sherloc (09022015). Collection method: clinical testing. Allele origin: germline.
Comment: This sequence change replaces arginine, which is basic and polar, with glutamine, which is neutral and polar, at codon 227 of the POLG protein (p.Arg227Gln). This variant is present in population databases (no rsID available, gnomAD 0.0009%). This missense change has been observed in individual(s) with clinical features of POLG-related conditions (PMID: 30290626). ClinVar contains an entry for this variant (Variation ID: 2435149). Advanced modeling of protein sequence and biophysical properties (such as structural, functional, and spatial information, amino acid conservation, physicochemical variation, residue mobility, and thermodynamic stability) has been performed at Invitae for this missense variant, however the output from this modeling did not meet the statistical confidence thresholds required to predict the impact of this variant on POLG protein function. This variant disrupts the p.Arg227 amino acid residue in POLG. Other variant(s) that disrupt this residue have been determined to be pathogenic (PMID: 12707443, 16621917, 16957900, 19307547, 22277967, 25281868). This suggests that this residue is clinically significant, and that variants that disrupt this residue are likely to be disease-causing. In summary, the available evidence is currently insufficient to determine the role of this variant in disease. Therefore, it has been classified as a Variant of Uncertain Significance.

Revvity Omics, Revvity
Classification: Uncertain significance. Last evaluated: 2021-06-28. Review status: criteria provided, single submitter. Criteria: ACMG Guidelines, 2015. Collection method: clinical testing. Allele origin: germline.

Literature cited by the submitters: PubMed 30290626 (cited by Labcorp Genetics (formerly Invitae), Labcorp); PubMed 12707443 (cited by Labcorp Genetics (formerly Invitae), Labcorp); PubMed 16621917 (cited by Labcorp Genetics (formerly Invitae), Labcorp); PubMed 16957900 (cited by Labcorp Genetics (formerly Invitae), Labcorp); PubMed 19307547 (cited by Labcorp Genetics (formerly Invitae), Labcorp); PubMed 22277967 (cited by Labcorp Genetics (formerly Invitae), Labcorp); PubMed 25281868 (cited by Labcorp Genetics (formerly Invitae), Labcorp).